The following is an entry in ClinVar:

ClinVar aggregate classification (germline): Uncertain significance (1 of 4 stars; one submission).

Conditions:
Cardiovascular phenotype. Identifiers: MedGen CN230736.

Allele frequency attached by ClinVar (database versions not stated): gnomAD 0.00001; gnomAD exomes below 0.00001; TOPMed 0.00001; ExAC 0.00001.
gnomAD v4.1: 8 of 1,613,118 alleles (0.0005%); highest among the groups gnomAD compares: Non-Finnish European, 0.00059%; no homozygotes.

Submission:

Ambry Genetics
Classification: Uncertain significance for Cardiovascular phenotype. Last evaluated: 2025-06-01. Review status: criteria provided, single submitter. Criteria: Ambry Variant Classification Scheme 2023. Collection method: clinical testing. Allele origin: germline.
Comment: The p.Q1260P variant (also known as c.3779A>C), located in coding exon 27 of the LAMA4 gene, results from an A to C substitution at nucleotide position 3779. The glutamine at codon 1260 is replaced by proline, an amino acid with similar properties. This amino acid position is highly conserved in available vertebrate species. In addition, this alteration is predicted to be deleterious by in silico analysis. Since supporting evidence is limited at this time, the clinical significance of this alteration remains unclear.

NM_001105206.3(LAMA4):c.3800A>C (p.Gln1267Pro)

Gene: LAMA4 (laminin subunit alpha 4; minus strand). Cytogenetic location: 6q21.
Variant type: single nucleotide variant.
Coding change: c.3800A>C on transcript NM_001105206.3 (MANE Select); coding-DNA position 3800, A replaced by C.
Protein change: p.Gln1267Pro; replaces glutamine 1267 with proline.
Molecular consequence: missense variant.
Genome position (GRCh38, 1-based): chr6:112,132,787, T>G on the plus strand (A>C on the coding strand, the complement: LAMA4 is on the minus strand). VCF-style: chr6-112132787-T-G. GRCh37 (hg19) VCF-style: chr6-112453989-T-G.
Other names: c.3779A>C, p.Gln1260Pro (NM_001105207.3, NM_002290.5); short protein forms Q1260P, Q1267P.
Identifiers: ClinVar variation 1734819 (VCV001734819.4), dbSNP rs782388708, ClinGen allele CA3965131.